The following is an entry in ClinVar:

NM_001379403.1(WDR26):c.1443A>G (p.Ile481Met)

Gene: WDR26 (WD repeat domain 26; minus strand). Cytogenetic location: 1q42.12.
Variant type: single nucleotide variant.
Coding change: c.1443A>G on transcript NM_001379403.1 (MANE Select); coding-DNA position 1443, A replaced by G.
Protein change: p.Ile481Met; replaces isoleucine 481 with methionine.
Molecular consequence: missense variant.
Genome position (GRCh38, 1-based): chr1:224,411,442, T>C on the plus strand (A>G on the coding strand, the complement: WDR26 is on the minus strand). VCF-style: chr1-224411442-T-C. GRCh37 (hg19) VCF-style: chr1-224599144-T-C.
Other names: c.1095A>G, p.Ile365Met (NM_001115113.3); c.1143A>G, p.Ile381Met (NM_025160.7); short protein forms I365M, I381M, I481M.
Identifiers: ClinVar variation 2444808 (VCV002444808.2), dbSNP rs1673734199, ClinGen allele CA344749241.
Genomic context (GRCh38, chr1:224,411,442, plus strand): 5'-AATTATCCCCTTTTGTAATATAAACACTCATATTGGGGTACATACCGGATCAACTTGCCA[T>C]ATGATAACTGTTGTATCTTTTGATCCTGTTGCTAGTTTAGTGCCATCATTAGAGAATTTA-3'
Protein context (NP_001366332.1, residues 471-491): ATGSKDTTVI[Ile481Met]WQVDPDTHLL

ClinVar aggregate classification (germline): Uncertain significance. Review status: criteria provided, multiple submitters, no conflicts (2 of 4 stars). 2 submissions from 2 submitters: Uncertain significance (2). Last evaluated 2026-02-10.

Allele frequency attached by ClinVar (database versions not stated): gnomAD 0.00001; gnomAD exomes below 0.00001.
gnomAD v4.1: 3 of 1,610,480 alleles (0.00019%); highest among the groups gnomAD compares: African/African-American, 0.0027%; no homozygotes.

Submissions (2):

Women's Health and Genetics/Laboratory Corporation of America, LabCorp
Classification: Uncertain significance. Last evaluated: 2026-02-10. Review status: criteria provided, single submitter. Criteria: LabCorp Variant Classification Summary - May 2015. Collection method: clinical testing. Allele origin: germline.
Comment: Variant summary: WDR26 c.1143A>G (p.Ile381Met) results in a conservative amino acid change in the encoded protein sequence. Algorithms developed to predict the effect of missense changes on protein structure and function are either unavailable or do not agree on the potential impact of this missense change. The variant was absent in 246944 control chromosomes. The available data on variant occurrences in the general population are insufficient to allow any conclusion about variant significance. To our knowledge, no occurrence of c.1143A>G in individuals affected with WDR26-related conditions and no experimental evidence demonstrating its impact on protein function have been reported. ClinVar contains an entry for this variant (Variation ID: 2444808). Based on the evidence outlined above, the variant was classified as uncertain significance.

GeneDx
Classification: Uncertain significance. Last evaluated: 2022-09-18. Review status: criteria provided, single submitter. Criteria: GeneDx Variant Classification Process June 2021. Collection method: clinical testing. Allele origin: germline. Affected: yes.
Comment: Not observed at significant frequency in large population cohorts (gnomAD); In silico analysis supports that this missense variant has a deleterious effect on protein structure/function; Has not been previously published as pathogenic or benign to our knowledge